The following is an entry in ClinVar:

NM_001605.3(AARS1):c.1992+5G>A

Gene: AARS1 (alanyl-tRNA synthetase 1; minus strand). Cytogenetic location: 16q22.1.
Variant type: single nucleotide variant.
Coding change: c.1992+5G>A on transcript NM_001605.3 (MANE Select); 5 bases into the intron after coding-DNA position 1992, G replaced by A.
Molecular consequence: intron variant.
Genome position (GRCh38, 1-based): chr16:70,258,975, C>T on the plus strand (G>A on the coding strand, the complement: AARS1 is on the minus strand). VCF-style: chr16-70258975-C-T. GRCh37 (hg19) VCF-style: chr16-70292878-C-T.
Identifiers: ClinVar variation 423513 (VCV000423513.10), dbSNP rs1064796467, ClinGen allele CA16620262.
Genomic context (GRCh38, chr16:70,258,975, plus strand): 5'-GCTAAGACTGTGGACAGACAGTGACGGTGTGGGGAGGGGGGGCATTCAGCCGTCGCCCAT[C>T]CTACCTTGGCTGCCTCAATCATCTCATTAGCAATCTCTTCAGCCTTCTTGATCTGTTGGG-3'

ClinVar aggregate classification (germline): Uncertain significance. Review status: criteria provided, multiple submitters, no conflicts (2 of 4 stars). 3 submissions from 3 submitters: Uncertain significance (3). Last evaluated 2025-02-11.

Conditions:
Charcot-Marie-Tooth disease type 2. Also called: Charcot-Marie-Tooth type 2. Identifiers: Orphanet 64746, MedGen C0270914, MONDO:0018993.

Allele frequency attached by ClinVar (database versions not stated): TOPMed 0.00001; gnomAD exomes 0.00001 and below 0.00001.
gnomAD v4.1: 8 of 1,614,124 alleles (0.0005%); highest among the groups gnomAD compares: Non-Finnish European, 0.00068%; no homozygotes.

Submissions (3):

Women's Health and Genetics/Laboratory Corporation of America, LabCorp
Classification: Uncertain significance. Last evaluated: 2025-02-11. Review status: criteria provided, single submitter. Criteria: LabCorp Variant Classification Summary - May 2015. Collection method: clinical testing. Allele origin: germline.
Comment: Variant summary: AARS1 c.1992+5G>A alters a non-conserved nucleotide located close to a canonical splice site and therefore could affect mRNA splicing, leading to a significantly altered protein sequence. Several computational tools predict a significant impact on normal splicing: Three predict the variant weakens the canonical 5' donor site. One predict the variant no significant impact on splicing. However, these predictions have yet to be confirmed by functional studies. The variant allele was found at a frequency of 4e-06 in 251416 control chromosomes. The available data on variant occurrences in the general population are insufficient to allow any conclusion about variant significance. To our knowledge, no occurrence of c.1992+5G>A in individuals affected with Developmental and epileptic encephalopathy, 29 and no experimental evidence demonstrating its impact on protein function have been reported. ClinVar contains an entry for this variant (Variation ID: 423513). Based on the evidence outlined above, the variant was classified as uncertain significance.

Labcorp Genetics (formerly Invitae), Labcorp
Classification: Uncertain significance for Charcot-Marie-Tooth disease type 2. Last evaluated: 2022-07-06. Review status: criteria provided, single submitter. Criteria: Invitae Variant Classification Sherloc (09022015). Collection method: clinical testing. Allele origin: germline.
Comment: In summary, the available evidence is currently insufficient to determine the role of this variant in disease. Therefore, it has been classified as a Variant of Uncertain Significance. Variants that disrupt the consensus splice site are a relatively common cause of aberrant splicing (PMID: 17576681, 9536098). Algorithms developed to predict the effect of sequence changes on RNA splicing suggest that this variant is not likely to affect RNA splicing. ClinVar contains an entry for this variant (Variation ID: 423513). This variant has not been reported in the literature in individuals affected with AARS-related conditions. This variant is present in population databases (no rsID available, gnomAD 0.0009%). This sequence change falls in intron 14 of the AARS gene. It does not directly change the encoded amino acid sequence of the AARS protein. It affects a nucleotide within the consensus splice site.

GeneDx
Classification: Uncertain significance. Last evaluated: 2017-02-17. Review status: criteria provided, single submitter. Criteria: GeneDx Variant Classification (06012015). Collection method: clinical testing. Allele origin: germline. Affected: yes.
Comment: A variant of uncertain significance has been identified in the AARS gene. The c.1992+5 G>A variant has not been published as a pathogenic variant, nor has it been reported as a benign variant to our knowledge. The c.1992+5 G>A variant is not observed in large population cohorts (Lek et al., 2016; 1000 Genomes Consortium et al., 2015; Exome Variant Server). The c.1992+5 G>A variant may destroy the canonical splice donor site in intron 14 and lead to abnormal gene splicing. However, in the absence of RNA/functional studies, the actual effect of this sequence change in this individual is unknown. Additionally, this substitution occurs at a position that is not conserved. Therefore, based on the currently available information, it is unclear whether this variant is a pathogenic variant or a rare benign variant.

Literature cited by the submitters: PubMed 17576681 (cited by Labcorp Genetics (formerly Invitae), Labcorp); PubMed 9536098 (cited by Labcorp Genetics (formerly Invitae), Labcorp).